The following is an entry in ClinVar:

NM_006348.5(COG5):c.5A>G (p.Glu2Gly)

Gene: COG5 (component of oligomeric golgi complex 5; minus strand). Cytogenetic location: 7q22.3.
Variant type: single nucleotide variant.
Coding change: c.5A>G on transcript NM_006348.5 (MANE Select); coding-DNA position 5, A replaced by G.
Protein change: p.Glu2Gly; replaces glutamic acid 2 with glycine.
Molecular consequence: missense variant.
Genome position (GRCh38, 1-based): chr7:107,563,892, T>C on the plus strand (A>G on the coding strand, the complement: COG5 is on the minus strand). VCF-style: chr7-107563892-T-C. GRCh37 (hg19) VCF-style: chr7-107204337-T-C.
Other names: c.98A>G (NM_006348.3); c.5A>G, p.Glu2Gly (NM_001161520.2, NM_001379511.1, NM_001379512.1 and 5 more transcripts); short protein forms E2G.
Identifiers: ClinVar variation 2129506 (VCV002129506.4), dbSNP rs2535728012, ClinGen allele CA368826541.

ClinVar aggregate classification (germline): Uncertain significance. Review status: criteria provided, multiple submitters, no conflicts (2 of 4 stars). 2 submissions from 2 submitters: Uncertain significance (2). Last evaluated 2025-08-02.

Conditions:
Inborn genetic diseases. Identifiers: MedGen C0950123, MeSH D030342.
COG5-congenital disorder of glycosylation. Also called: CDG IIi; CONGENITAL DISORDER OF GLYCOSYLATION, TYPE IIi; COG5-CDG. Identifiers: Orphanet 263487, MedGen C3150876, MONDO:0013325, OMIM 613612.

Submissions (2):

Ambry Genetics
Classification: Uncertain significance for Inborn genetic diseases. Last evaluated: 2025-08-02. Review status: criteria provided, single submitter. Criteria: Ambry Variant Classification Scheme 2023. Collection method: clinical testing. Allele origin: germline.

Labcorp Genetics (formerly Invitae), Labcorp
Classification: Uncertain significance for COG5-congenital disorder of glycosylation. Last evaluated: 2022-04-23. Review status: criteria provided, single submitter. Criteria: Invitae Variant Classification Sherloc (09022015). Collection method: clinical testing. Allele origin: germline.
Comment: In summary, the available evidence is currently insufficient to determine the role of this variant in disease. Therefore, it has been classified as a Variant of Uncertain Significance. Algorithms developed to predict the effect of missense changes on protein structure and function are either unavailable or do not agree on the potential impact of this missense change (SIFT: "Deleterious"; PolyPhen-2: "Benign"; Align-GVGD: "Class C0"). This variant has not been reported in the literature in individuals affected with COG5-related conditions. This variant is not present in population databases (gnomAD no frequency). This sequence change replaces glutamic acid, which is acidic and polar, with glycine, which is neutral and non-polar, at codon 33 of the COG5 protein (p.Glu33Gly).